The following is an entry in ClinVar:

NC_000022.10:g.(?_19862041)_(19930515_?)dup

Genes: COMT (catechol-O-methyltransferase; plus strand), TXNRD2 (thioredoxin reductase 2; minus strand). Cytogenetic location: 22q11.21.
Variant type: Duplication.
Identifiers: ClinVar variation 1411541 (VCV001411541.1).

ClinVar aggregate classification (germline): Uncertain significance (1 of 4 stars; one submission).

Conditions:
Primary dilated cardiomyopathy (DCM). Also called: Dilated Cardiomyopathy. Identifiers: Orphanet 217604, MedGen C0007193, MeSH D002311, MONDO:0005021, HP:0001644. Inheritance: Various modes of inheritance.

Submission:

Labcorp Genetics (formerly Invitae), Labcorp
Classification: Uncertain significance for Primary dilated cardiomyopathy. Last evaluated: 2021-03-19. Review status: criteria provided, single submitter. Criteria: Invitae Variant Classification Sherloc (09022015). Collection method: clinical testing. Allele origin: germline.
Comment: A copy number gain of the genomic region encompassing the full coding sequence of the TXNRD2 gene has been identified. The boundaries of this event are unknown as they extend beyond the assayed region for this gene and therefore may encompass additional genes. As the precise location of this event is unknown, it may be in tandem or it may be located elsewhere in the genome. This variant has not been reported in the literature in individuals with TXNRD2-related conditions. Experimental studies and prediction algorithms are not available or were not evaluated, and the functional significance of this variant is currently unknown. In summary, the available evidence is currently insufficient to determine the role of this variant in disease. Therefore, it has been classified as a Variant of Uncertain Significance.